The following is an entry in ClinVar:

ClinVar aggregate classification (germline): Uncertain significance (1 of 4 stars; one submission).

Conditions:
Inborn genetic diseases. Identifiers: MedGen C0950123, MeSH D030342.

Allele frequency attached by ClinVar (database versions not stated): gnomAD exomes below 0.00001; TOPMed below 0.00001.
gnomAD v4.1: 2 of 1,571,400 alleles (0.00013%); highest among the groups gnomAD compares: South Asian, 0.0012%; no homozygotes.

Submission:

Ambry Genetics
Classification: Uncertain significance for Inborn genetic diseases. Last evaluated: 2021-08-20. Review status: criteria provided, single submitter. Criteria: Ambry Variant Classification Scheme 2023. Collection method: clinical testing. Allele origin: germline.
Comment: The c.6209-3C>T intronic alteration consists of a C to T substitution 3 nucleotides before coding exon 47 in the CACNA1E gene. Based on insufficient or conflicting evidence, the clinical significance of this alteration remains unclear.

NM_001205293.3(CACNA1E):c.6209-3C>T

Gene: CACNA1E (calcium voltage-gated channel subunit alpha1 E; plus strand). Cytogenetic location: 1q25.3.
Variant type: single nucleotide variant.
Coding change: c.6209-3C>T on transcript NM_001205293.3 (MANE Select); 3 bases into the intron before coding-DNA position 6209, C replaced by T.
Molecular consequence: intron variant.
Genome position (GRCh38, 1-based): chr1:181,796,665, C>T. VCF-style: chr1-181796665-C-T. GRCh37 (hg19) VCF-style: chr1-181765801-C-T.
Other names: c.6080-3C>T (NM_000721.4); c.6023-3C>T (NM_001205294.2).
Identifiers: ClinVar variation 2236575 (VCV002236575.2), dbSNP rs1661831526, ClinGen allele CA1211233748.